The following is an entry in ClinVar:

NM_001848.3(COL6A1):c.98-6G>A

Gene: COL6A1 (collagen type VI alpha 1 chain; plus strand). Cytogenetic location: 21q22.3.
Variant type: single nucleotide variant.
Coding change: c.98-6G>A on transcript NM_001848.3 (MANE Select); 6 bases into the intron before coding-DNA position 98, G replaced by A.
Molecular consequence: intron variant.
Genome position (GRCh38, 1-based): chr21:45,982,628, G>A. VCF-style: chr21-45982628-G-A. GRCh37 (hg19) VCF-style: chr21-47402542-G-A.
Identifiers: ClinVar variation 283325 (VCV000283325.11), dbSNP rs886042599, ClinGen allele CA10604461.
Genomic context (GRCh38, chr21:45,982,628, plus strand): 5'-AGGCCCAGCAGAGACTCGGGGAATGGGGCGAGAGCTTGAAGGCCCCTCTCCTCCATCTTC[G>A]GCCAGACTGCCCCGTGGACCTGTTCTTTGTGCTGGACACCTCTGAGAGCGTGGCCCTGAG-3'

ClinVar aggregate classification (germline): Uncertain significance. Review status: criteria provided, multiple submitters, no conflicts (2 of 4 stars). 2 submissions from 2 submitters: Uncertain significance (2). Last evaluated 2023-09-18.

Conditions:
Bethlem myopathy 1A. Also called: Bethlem myopathy 1; MYOPATHY, BENIGN CONGENITAL, WITH CONTRACTURES; Bethlem Muscular Dystrophy. Identifiers: Orphanet 610, MedGen CN029274, MONDO:0024530, OMIM 158810.

gnomAD v4.1: 3 of 1,612,768 alleles (0.00019%); highest among the groups gnomAD compares: South Asian, 0.0011%; no homozygotes.

Submissions (2):

Labcorp Genetics (formerly Invitae), Labcorp
Classification: Uncertain significance for Bethlem myopathy 1A. Last evaluated: 2023-09-18. Review status: criteria provided, single submitter. Criteria: Invitae Variant Classification Sherloc (09022015). Collection method: clinical testing. Allele origin: germline.
Comment: This sequence change falls in intron 1 of the COL6A1 gene. It does not directly change the encoded amino acid sequence of the COL6A1 protein. In summary, the available evidence is currently insufficient to determine the role of this variant in disease. Therefore, it has been classified as a Variant of Uncertain Significance. Algorithms developed to predict the effect of sequence changes on RNA splicing suggest that this variant may create or strengthen a splice site. ClinVar contains an entry for this variant (Variation ID: 283325). This variant has been observed in individual(s) with autosomal recessive COL6A1-related conditions (PMID: 31273343). This variant is present in population databases (no rsID available, gnomAD 0.003%).

Eurofins Ntd Llc (ga)
Classification: Uncertain significance. Last evaluated: 2015-09-10. Review status: criteria provided, single submitter. Criteria: EGL Classification Definitions 2015. Collection method: clinical testing. Allele origin: germline. Observed: 1 variant allele, 1 heterozygote.

Literature cited by the submitters: PubMed 31273343 (cited by Labcorp Genetics (formerly Invitae), Labcorp).